The following is an entry in ClinVar:

ClinVar aggregate classification (germline): Likely pathogenic (1 of 4 stars; one submission).

Submission:

Labcorp Genetics (formerly Invitae), Labcorp
Classification: Likely pathogenic. Last evaluated: 2023-07-03. Review status: criteria provided, single submitter. Criteria: Invitae Variant Classification Sherloc (09022015). Collection method: clinical testing. Allele origin: germline.
Comment: This sequence change replaces tyrosine, which is neutral and polar, with cysteine, which is neutral and slightly polar, at codon 235 of the TYR protein (p.Tyr235Cys). This variant is not present in population databases (gnomAD no frequency). In summary, the currently available evidence indicates that the variant is pathogenic, but additional data are needed to prove that conclusively. Therefore, this variant has been classified as Likely Pathogenic. This variant disrupts the p.Tyr235 amino acid residue in TYR. Other variant(s) that disrupt this residue have been determined to be pathogenic (PMID: 19865097, 31077556, 32552135). This suggests that this residue is clinically significant, and that variants that disrupt this residue are likely to be disease-causing. Advanced modeling of protein sequence and biophysical properties (such as structural, functional, and spatial information, amino acid conservation, physicochemical variation, residue mobility, and thermodynamic stability) performed at Invitae indicates that this missense variant is expected to disrupt TYR protein function. ClinVar contains an entry for this variant (Variation ID: 2011097). This missense change has been observed in individual(s) with TYR-related conditions (Invitae).

Literature cited by the submitters: PubMed 19865097; PubMed 31077556; PubMed 32552135.

NM_000372.5(TYR):c.704A>G (p.Tyr235Cys)

Gene: TYR (tyrosinase; plus strand). Cytogenetic location: 11q14.3.
Variant type: single nucleotide variant.
Coding change: c.704A>G on transcript NM_000372.5 (MANE Select); coding-DNA position 704, A replaced by G.
Protein change: p.Tyr235Cys; replaces tyrosine 235 with cysteine.
Molecular consequence: missense variant.
Genome position (GRCh38, 1-based): chr11:89,178,657, A>G. VCF-style: chr11-89178657-A-G. GRCh37 (hg19) VCF-style: chr11-88911825-A-G.
Other names: short protein forms Y235C.
Identifiers: ClinVar variation 2011097 (VCV002011097.4), dbSNP rs2496530428, ClinGen allele CA382035172.